The following is an entry in ClinVar:

NM_015662.3(IFT172):c.274G>C (p.Val92Leu)

Gene: IFT172 (intraflagellar transport 172; minus strand). Cytogenetic location: 2p23.3.
Variant type: single nucleotide variant.
Coding change: c.274G>C on transcript NM_015662.3 (MANE Select); coding-DNA position 274, G replaced by C.
Protein change: p.Val92Leu; replaces valine 92 with leucine.
Molecular consequence: missense variant.
Genome position (GRCh38, 1-based): chr2:27,485,040, C>G on the plus strand (G>C on the coding strand, the complement: IFT172 is on the minus strand). VCF-style: chr2-27485040-C-G. GRCh37 (hg19) VCF-style: chr2-27707907-C-G.
Other names: short protein forms V92L.
Identifiers: ClinVar variation 1430549 (VCV001430549.8), dbSNP rs2148559132, ClinGen allele CA346402363.
Genomic context (GRCh38, chr2:27,485,040, plus strand): 5'-TTTCCTGGGCCATCCCATCTCCCAGTCTCTATCCTCACCAATCTTCTCCAATCTTGTAGA[C>G]ATAGATGATGTTGTCAGTCTGTCCTATGGCAATTTTAGTGGAATCAGGAGAAAAAGCCAT-3'
Protein context (NP_056477.1, residues 82-102): AIGQTDNIIY[Val92Leu]YKIGEDWGDK

ClinVar aggregate classification (germline): Uncertain significance (1 of 4 stars; one submission).

Conditions:
Short-rib thoracic dysplasia 10 with or without polydactyly (SRTD10). Identifiers: Orphanet 474, MedGen C3810175, MONDO:0014284, OMIM 615630.
Retinitis pigmentosa 71 (RP71). Identifiers: Orphanet 791, MedGen C4225342, MONDO:0014618, OMIM 616394.

Submission:

Labcorp Genetics (formerly Invitae), Labcorp
Classification: Uncertain significance for Retinitis pigmentosa 71; Short-rib thoracic dysplasia 10 with or without polydactyly. Last evaluated: 2022-03-19. Review status: criteria provided, single submitter. Criteria: Invitae Variant Classification Sherloc (09022015). Collection method: clinical testing. Allele origin: germline.
Comment: In summary, the available evidence is currently insufficient to determine the role of this variant in disease. Therefore, it has been classified as a Variant of Uncertain Significance. This sequence change replaces valine, which is neutral and non-polar, with leucine, which is neutral and non-polar, at codon 92 of the IFT172 protein (p.Val92Leu). This variant is not present in population databases (gnomAD no frequency). This variant has not been reported in the literature in individuals affected with IFT172-related conditions. Algorithms developed to predict the effect of missense changes on protein structure and function are either unavailable or do not agree on the potential impact of this missense change (SIFT: "Deleterious"; PolyPhen-2: "Probably Damaging"; Align-GVGD: "Class C0").